The following is an entry in ClinVar:

ClinVar aggregate classification (germline): Likely benign (1 of 4 stars; one submission).

gnomAD v4.1: 19 of 1,614,190 alleles (0.0012%); highest among the groups gnomAD compares: Non-Finnish European, 0.0014%; no homozygotes.

Submission:

CeGaT Center for Human Genetics Tuebingen
Classification: Likely benign. Last evaluated: 2024-07-01. Review status: criteria provided, single submitter. Criteria: CeGaT Center For Human Genetics Tuebingen Variant Classification Criteria Version 2. Collection method: clinical testing. Allele origin: germline. Affected: yes. Observed: 1 variant allele.
Comment: HIRA: BP4, BP7

NM_003325.4(HIRA):c.1812C>G (p.Pro604=)

Gene: HIRA (histone cell cycle regulator; minus strand). Cytogenetic location: 22q11.21.
Variant type: single nucleotide variant.
Coding change: c.1812C>G on transcript NM_003325.4 (MANE Select); coding-DNA position 1812, C replaced by G.
Protein change: p.Pro604=; no amino-acid change (proline 604 retained).
Molecular consequence: synonymous variant.
Genome position (GRCh38, 1-based): chr22:19,361,895, G>C on the plus strand (C>G on the coding strand, the complement: HIRA is on the minus strand). VCF-style: chr22-19361895-G-C. GRCh37 (hg19) VCF-style: chr22-19349418-G-C.
Identifiers: ClinVar variation 3250912 (VCV003250912.18), dbSNP rs144068312.